The following is an entry in ClinVar:

ClinVar aggregate classification (germline): Pathogenic. Review status: criteria provided, multiple submitters, no conflicts (2 of 4 stars). 3 submissions from 3 submitters: Pathogenic (3). Last evaluated 2025-02-27.

Conditions:
Hereditary nonpolyposis colorectal neoplasms. Identifiers: MedGen C0009405, MeSH D003123.
Hereditary cancer-predisposing syndrome. Also called: Neoplastic Syndromes, Hereditary; Tumor predisposition; Hereditary neoplastic syndrome; Hereditary Cancer Syndrome. Identifiers: Orphanet 140162, MedGen C0027672, MeSH D009386, MONDO:0015356.
Lynch syndrome 4 (LYNCH4). Also called: Hereditary non-polyposis colorectal cancer, type 4; Colorectal cancer, hereditary nonpolyposis, type 4. Identifiers: Orphanet 144, MedGen C1838333, MONDO:0013699, OMIM 614337. Disease mechanism: loss of function.

Submissions (3):

Ambry Genetics
Classification: Pathogenic for Hereditary cancer-predisposing syndrome. Last evaluated: 2025-02-27. Review status: criteria provided, single submitter. Criteria: Ambry Variant Classification Scheme 2023. Collection method: clinical testing. Allele origin: germline.
Comment: The c.1605_1606delTC pathogenic mutation, located in coding exon 11 of the PMS2 gene, results from a deletion of two nucleotides at nucleotide positions 1605 to 1606, causing a translational frameshift with a predicted alternate stop codon (p.Q536Gfs*5). This alteration is expected to result in loss of function by premature protein truncation or nonsense-mediated mRNA decay. As such, this alteration is interpreted as a disease-causing mutation.

Myriad Genetics, Inc.
Classification: Pathogenic for Lynch syndrome 4. Last evaluated: 2023-09-20. Review status: criteria provided, single submitter. Criteria: Myriad Autosomal Dominant, Autosomal Recessive and X-Linked Classification Criteria (2023). Collection method: clinical testing. Allele origin: unknown.
Comment: This variant is considered pathogenic. This variant creates a frameshift predicted to result in premature protein truncation.

Labcorp Genetics (formerly Invitae), Labcorp
Classification: Pathogenic for Hereditary nonpolyposis colorectal neoplasms. Last evaluated: 2021-04-26. Review status: criteria provided, single submitter. Criteria: Invitae Variant Classification Sherloc (09022015). Collection method: clinical testing. Allele origin: germline.
Comment: This sequence change creates a premature translational stop signal (p.Gln536Glyfs*5) in the PMS2 gene. It is expected to result in an absent or disrupted protein product. Loss-of-function variants in PMS2 are known to be pathogenic (PMID: 21376568, 24362816). This variant is not present in population databases (ExAC no frequency). This variant has not been reported in the literature in individuals with PMS2-related conditions. For these reasons, this variant has been classified as Pathogenic.

Literature cited by the submitters: PubMed 30376427 (cited by Ambry Genetics); PubMed 21376568 (cited by Labcorp Genetics (formerly Invitae), Labcorp); PubMed 24362816 (cited by Labcorp Genetics (formerly Invitae), Labcorp).

NM_000535.7(PMS2):c.1605_1606del (p.Gln536fs)

Gene: PMS2 (PMS1 homolog 2, mismatch repair system component; minus strand). Cytogenetic location: 7p22.1.
Variant type: Microsatellite.
Coding change: c.1605_1606del on transcript NM_000535.7 (MANE Select); coding-DNA positions 1605 to 1606, 2 bases deleted (TC; older notation c.1605_1606delTC).
Protein change: p.Gln536fs; shifts the reading frame from glutamine 536.
Molecular consequence: frameshift variant. On other transcripts: non-coding transcript variant (1).
Genome position (GRCh38, 1-based): chr7:5,987,159-5,987,160, GA deleted on the plus strand (TC on the coding strand, the reverse complement: PMS2 is on the minus strand); deleting any 2 consecutive bases within chr7:5,987,159-5,987,163 gives the same sequence; the c. name uses the placement nearest the transcript's 3' end. VCF-style (leftmost placement, unchanged base first): chr7-5987158-TGA-T. GRCh37 (hg19) VCF-style: chr7-6026789-TGA-T.
Other names: c.1605_1606delTC (NM_000535.5); c.1200_1201del, p.Gln401fs (NM_001322003.2, NM_001322004.2, NM_001322005.2 and 1 more transcripts); c.1449_1450del, p.Gln484fs (NM_001322006.2); c.1287_1288del, p.Gln430fs (NM_001322007.2, NM_001322008.2); c.1044_1045del, p.Gln349fs (NM_001322010.2); c.672_673del, p.Gln225fs (NM_001322011.2, NM_001322012.2); c.1032_1033del, p.Gln345fs (NM_001322013.2); c.1605_1606del, p.Gln536fs (NM_001322014.2); and 1 more; short protein forms Q349fs, Q401fs, Q484fs, Q225fs, Q430fs, Q536fs, Q345fs, Q433fs.
Identifiers: ClinVar variation 1352889 (VCV001352889.7), dbSNP rs2128726933, ClinGen allele CA2580615849.